The following is an entry in ClinVar:

ClinVar aggregate classification (germline): Uncertain significance (1 of 4 stars; one submission).

Conditions:
Cardiovascular phenotype. Identifiers: MedGen CN230736.

gnomAD v4.1: 3 of 1,550,358 alleles (0.00019%); highest among the groups gnomAD compares: Non-Finnish European, 0.00026%; no homozygotes.

Submission:

Ambry Genetics
Classification: Uncertain significance for Cardiovascular phenotype. Last evaluated: 2024-01-01. Review status: criteria provided, single submitter. Criteria: Ambry Variant Classification Scheme 2023. Collection method: clinical testing. Allele origin: germline.
Comment: The p.Q1648L variant (also known as c.4943A>T), located in coding exon 2 of the ZNF469 gene, results from an A to T substitution at nucleotide position 4943. The glutamine at codon 1648 is replaced by leucine, an amino acid with dissimilar properties. This amino acid position is conserved. In addition, this alteration is predicted to be tolerated by in silico analysis. Since supporting evidence is limited at this time, the clinical significance of this alteration remains unclear.

NM_001367624.2(ZNF469):c.5027A>T (p.Gln1676Leu)

Gene: ZNF469 (zinc finger protein 469; plus strand). Cytogenetic location: 16q24.2.
Variant type: single nucleotide variant.
Coding change: c.5027A>T on transcript NM_001367624.2 (MANE Select); coding-DNA position 5027, A replaced by T.
Protein change: p.Gln1676Leu; replaces glutamine 1676 with leucine.
Molecular consequence: missense variant.
Genome position (GRCh38, 1-based): chr16:88,432,497, A>T. VCF-style: chr16-88432497-A-T. GRCh37 (hg19) VCF-style: chr16-88498905-A-T.
Other names: NM_001127464.1:c.4943A>T; short protein forms Q1676L.
Identifiers: ClinVar variation 3232819 (VCV003232819.1), dbSNP rs2507589452, ClinGen allele CA397094933.